The following is an entry in ClinVar:

ClinVar aggregate classification (germline): Uncertain significance (1 of 4 stars; one submission).

Allele frequency attached by ClinVar (database versions not stated): gnomAD exomes 0.00001.
gnomAD v4.1: 7 of 1,603,850 alleles (0.00044%); highest among the groups gnomAD compares: Non-Finnish European, 0.0006%; no homozygotes.

Submission:

Labcorp Genetics (formerly Invitae), Labcorp
Classification: Uncertain significance. Last evaluated: 2022-06-14. Review status: criteria provided, single submitter. Criteria: Invitae Variant Classification Sherloc (09022015). Collection method: clinical testing. Allele origin: germline.
Comment: This variant is present in population databases (no rsID available, gnomAD 0.001%). In summary, the available evidence is currently insufficient to determine the role of this variant in disease. Therefore, it has been classified as a Variant of Uncertain Significance. Algorithms developed to predict the effect of missense changes on protein structure and function output the following: SIFT: "Deleterious"; PolyPhen-2: "Not Available"; Align-GVGD: "Class C0". The leucine amino acid residue is found in multiple mammalian species, which suggests that this missense change does not adversely affect protein function. This variant has not been reported in the literature in individuals affected with AEBP1-related conditions. This sequence change replaces proline, which is neutral and non-polar, with leucine, which is neutral and non-polar, at codon 184 of the AEBP1 protein (p.Pro184Leu).

NM_001129.5(AEBP1):c.551C>T (p.Pro184Leu)

Gene: AEBP1 (AE binding protein 1; plus strand). Cytogenetic location: 7p13.
Variant type: single nucleotide variant.
Coding change: c.551C>T on transcript NM_001129.5 (MANE Select); coding-DNA position 551, C replaced by T.
Protein change: p.Pro184Leu; replaces proline 184 with leucine.
Molecular consequence: missense variant.
Genome position (GRCh38, 1-based): chr7:44,106,843, C>T. VCF-style: chr7-44106843-C-T. GRCh37 (hg19) VCF-style: chr7-44146442-C-T.
Other names: short protein forms P184L.
Identifiers: ClinVar variation 2117031 (VCV002117031.2), dbSNP rs1257820435, ClinGen allele CA367358717.